The following is an entry in ClinVar:

NM_006080.3(SEMA3A):c.2271A>G (p.Arg757=)

Gene: SEMA3A (semaphorin 3A; minus strand). Cytogenetic location: 7q21.11.
Variant type: single nucleotide variant.
Coding change: c.2271A>G on transcript NM_006080.3 (MANE Select); coding-DNA position 2271, A replaced by G.
Protein change: p.Arg757=; no amino-acid change (arginine 757 retained).
Molecular consequence: synonymous variant.
Genome position (GRCh38, 1-based): chr7:83,961,416, T>C on the plus strand (A>G on the coding strand, the complement: SEMA3A is on the minus strand). VCF-style: chr7-83961416-T-C. GRCh37 (hg19) VCF-style: chr7-83590732-T-C.
Identifiers: ClinVar variation 3346347 (VCV003346347.1).

ClinVar aggregate classification (germline): Likely benign (0 of 4 stars; one submission).

Conditions:
SEMA3A-related disorder. Also called: SEMA3A-related condition.

Submission:

PreventionGenetics, part of Exact Sciences
Classification: Likely benign for SEMA3A-related condition. Last evaluated: 2024-07-23. Review status: no assertion criteria provided. Collection method: clinical testing. Allele origin: germline.
Comment: This variant is classified as likely benign based on ACMG/AMP sequence variant interpretation guidelines (Richards et al. 2015 PMID: 25741868, with internal and published modifications).